The following is an entry in ClinVar:

ClinVar aggregate classification (germline): Likely pathogenic. Review status: criteria provided, multiple submitters, no conflicts (2 of 4 stars). 2 submissions from 2 submitters: Likely pathogenic (2). Last evaluated 2026-06-02.

Conditions:
GJB3-related disorder. Also called: GJB3-related condition.

Allele frequency attached by ClinVar (database versions not stated): ExAC 0.00004; TOPMed 0.00008; gnomAD 0.00009.

Submissions (2):

PreventionGenetics, part of Exact Sciences
Classification: Likely pathogenic for GJB3-related condition. Last evaluated: 2026-06-02. Review status: criteria provided, single submitter. Criteria: ACMG Guidelines, 2015. Collection method: clinical testing. Allele origin: germline.
Comment: The GJB3 c.34G>A variant is predicted to result in the amino acid substitution p.Gly12Ser. This variant has been reported in the compound heterozygous state along with a second potentially causative GJB3 variant in three siblings with erythrokeratodermia variabilis et progressiva (EKPV) without hearing loss, with both variants being present alone in unaffected family members (Deng et al. 2018. PubMed ID: 29992552). This variant has been reported in an additional individual with EKPV; however, it is unclear if a second GJB3 variant was present (Richard. 2001. PubMed ID: 11758118). This variant is reported in 0.028% of alleles in individuals of African descent in gnomAD. Alternate missense substitutions affecting the same amino acid position (p.Gly12Arg and p.Gly12Asp) have been reported in the heterozygous state in multiple individuals with EKPV and in vitro experimental studies suggest the p.Gly12 position is important for proper membrane localization (Richard et al. 1998. PubMed ID: 9843209; Di et al. 2002. PubMed ID: 12165562). In summary, the c.34G>A (p.Gly12Ser) variant is interpreted as likely pathogenic for autosomal recessive GJB3 related disease.

Labcorp Genetics (formerly Invitae), Labcorp
Classification: Likely pathogenic. Last evaluated: 2023-03-30. Review status: criteria provided, single submitter. Criteria: Invitae Variant Classification Sherloc (09022015). Collection method: clinical testing. Allele origin: germline.
Comment: This sequence change replaces glycine, which is neutral and non-polar, with serine, which is neutral and polar, at codon 12 of the GJB3 protein (p.Gly12Ser). This variant is present in population databases (rs74315315, gnomAD 0.03%). This missense change has been observed in individual(s) with autosomal recessive erythrokeratodermia variabilis (PMID: 29992552). It has also been observed to segregate with disease in related individuals. Advanced modeling of protein sequence and biophysical properties (such as structural, functional, and spatial information, amino acid conservation, physicochemical variation, residue mobility, and thermodynamic stability) performed at Invitae indicates that this missense variant is expected to disrupt GJB3 protein function. In summary, the currently available evidence indicates that the variant is pathogenic, but additional data are needed to prove that conclusively. Therefore, this variant has been classified as Likely Pathogenic.

Literature cited by the submitters: PubMed 29992552 (cited by Labcorp Genetics (formerly Invitae), Labcorp).

NM_024009.3(GJB3):c.34G>A (p.Gly12Ser)

Gene: GJB3 (gap junction protein beta 3; plus strand). Cytogenetic location: 1p34.3.
Variant type: single nucleotide variant.
Coding change: c.34G>A on transcript NM_024009.3 (MANE Select); coding-DNA position 34, G replaced by A.
Protein change: p.Gly12Ser; replaces glycine 12 with serine.
Molecular consequence: missense variant.
Genome position (GRCh38, 1-based): chr1:34,784,796, G>A. VCF-style: chr1-34784796-G-A. GRCh37 (hg19) VCF-style: chr1-35250397-G-A.
Other names: c.34G>A (NM_024009.2); c.34G>A, p.Gly12Ser (NM_001005752.2); short protein forms G12S.
Identifiers: ClinVar variation 2733870 (VCV002733870.4), dbSNP rs74315315, ClinGen allele CA754724.